The following is an entry in ClinVar:

ClinVar aggregate classification (germline): Uncertain significance (1 of 4 stars; one submission).

Allele frequency attached by ClinVar (database versions not stated): ExAC 0.00008; TOPMed 0.00010; gnomAD 0.00011; ESP Exome Variant Server 0.00015.
gnomAD v4.1: 65 of 1,613,888 alleles (0.004%); highest among the groups gnomAD compares: African/African-American, 0.039%; no homozygotes.

Submission:

Labcorp Genetics (formerly Invitae), Labcorp
Classification: Uncertain significance. Last evaluated: 2024-03-04. Review status: criteria provided, single submitter. Criteria: Invitae Variant Classification Sherloc (09022015). Collection method: clinical testing. Allele origin: germline.
Comment: This sequence change replaces arginine, which is basic and polar, with glutamine, which is neutral and polar, at codon 136 of the NDUFAF7 protein (p.Arg136Gln). This variant is present in population databases (rs143139724, gnomAD 0.06%), and has an allele count higher than expected for a pathogenic variant. This variant has not been reported in the literature in individuals affected with NDUFAF7-related conditions. An algorithm developed to predict the effect of missense changes on protein structure and function (PolyPhen-2) suggests that this variant is likely to be tolerated. In summary, the available evidence is currently insufficient to determine the role of this variant in disease. Therefore, it has been classified as a Variant of Uncertain Significance.

NM_144736.5(NDUFAF7):c.701G>A (p.Arg234Gln)

Gene: NDUFAF7 (NADH:ubiquinone oxidoreductase complex assembly factor 7; plus strand). Cytogenetic location: 2p22.2.
Variant type: single nucleotide variant.
Coding change: c.701G>A on transcript NM_144736.5 (MANE Select); coding-DNA position 701, G replaced by A.
Protein change: p.Arg234Gln; replaces arginine 234 with glutamine.
Molecular consequence: missense variant. On other transcripts: non-coding transcript variant (10).
Genome position (GRCh38, 1-based): chr2:37,243,882, G>A. VCF-style: chr2-37243882-G-A. GRCh37 (hg19) VCF-style: chr2-37471025-G-A.
Other names: c.407G>A, p.Arg136Gln (NM_001083946.2); c.701G>A, p.Arg234Gln (NM_001350024.2); c.620G>A, p.Arg207Gln (NM_001350025.2); c.488G>A, p.Arg163Gln (NM_001350027.2); short protein forms R163Q, R234Q, R136Q, R207Q.
Identifiers: ClinVar variation 2866266 (VCV002866266.3), dbSNP rs143139724, ClinGen allele CA1617254.
Genomic context (GRCh38, chr2:37,243,882, plus strand): 5'-AACTTGCAAAAATTTGTTTTTATGTGTTATTTTGTGTTTAGAAAACACCACAGGGATGGC[G>A]AGAAGTATTTGTTGACATTGATCCACAGGTTTCTGATAAACTGAGGTTTGTTTTGGCACC-3'
Protein context (NP_653337.1, residues 224-244): HKFQKTPQGW[Arg234Gln]EVFVDIDPQV